The following is an entry in ClinVar:

NM_005902.4(SMAD3):c.808T>C (p.Cys270Arg)

Gene: SMAD3 (SMAD family member 3; plus strand). Cytogenetic location: 15q22.33.
Variant type: single nucleotide variant.
Coding change: c.808T>C on transcript NM_005902.4 (MANE Select); coding-DNA position 808, T replaced by C.
Protein change: p.Cys270Arg; replaces cysteine 270 with arginine.
Molecular consequence: missense variant.
Genome position (GRCh38, 1-based): chr15:67,181,390, T>C. VCF-style: chr15-67181390-T-C. GRCh37 (hg19) VCF-style: chr15-67473728-T-C.
Other names: c.493T>C, p.Cys165Arg (NM_001145102.2); c.676T>C, p.Cys226Arg (NM_001145103.2); c.223T>C, p.Cys75Arg (NM_001145104.2); short protein forms C165R, C226R, C270R, C75R.
Identifiers: ClinVar variation 1303606 (VCV001303606.3), dbSNP rs2140314294, ClinGen allele CA392956308.

ClinVar aggregate classification (germline): Uncertain significance. Review status: criteria provided, multiple submitters, no conflicts (2 of 4 stars). 2 submissions from 2 submitters: Uncertain significance (2). Last evaluated 2022-03-24.

Submissions (2):

Blueprint Genetics
Classification: Uncertain significance. Last evaluated: 2022-03-24. Review status: criteria provided, single submitter. Criteria: ACMG Guidelines, 2015. Collection method: clinical testing. Allele origin: germline.

GeneDx
Classification: Uncertain significance. Last evaluated: 2021-02-04. Review status: criteria provided, single submitter. Criteria: GeneDx Variant Classification Process June 2021. Collection method: clinical testing. Allele origin: germline. Affected: yes.
Comment: Has not been previously published as pathogenic or benign to our knowledge; Not observed in large population cohorts (Lek et al., 2016); In silico analysis supports that this missense variant has a deleterious effect on protein structure/function